The following is an entry in ClinVar:

NM_000352.6(ABCC8):c.505T>G (p.Phe169Val)

Gene: ABCC8 (ATP binding cassette subfamily C member 8; minus strand). Cytogenetic location: 11p15.1.
Variant type: single nucleotide variant.
Coding change: c.505T>G on transcript NM_000352.6 (MANE Select); coding-DNA position 505, T replaced by G.
Protein change: p.Phe169Val; replaces phenylalanine 169 with valine.
Molecular consequence: missense variant. On other transcripts: non-coding transcript variant (1).
Genome position (GRCh38, 1-based): chr11:17,463,512, A>C on the plus strand (T>G on the coding strand, the complement: ABCC8 is on the minus strand). VCF-style: chr11-17463512-A-C. GRCh37 (hg19) VCF-style: chr11-17485059-A-C.
Other names: c.505T>G, p.Phe169Val (NM_001287174.3, NM_001351295.2, NM_001351296.2 and 1 more transcripts); short protein forms F169V.
Identifiers: ClinVar variation 3381359 (VCV003381359.1).
Genomic context (GRCh38, chr11:17,463,512, plus strand): 5'-CATTGACCTCCACGAGGAGCAGCATCCCATAGAGGATCACCAGCAGCCCTGTGAGGCAGA[A>C]GCGTAGCTGCGAGAAGCCGATGGCGTGGTCCAAGAACTTGACAAACTTGATGGTCTTGGT-3'
Protein context (NP_000343.2, residues 159-179): DHAIGFSQLR[Phe169Val]CLTGLLVILY

ClinVar aggregate classification (germline): Uncertain significance (1 of 4 stars; one submission).

gnomAD v4.1: 5 of 1,601,626 alleles (0.00031%); highest among the groups gnomAD compares: African/African-American, 0.0067%; no homozygotes.

Submission:

GeneDx
Classification: Uncertain significance. Last evaluated: 2024-05-24. Review status: criteria provided, single submitter. Criteria: GeneDx Variant Classification Process June 2021. Collection method: clinical testing. Allele origin: germline. Affected: yes.
Comment: Not observed at significant frequency in large population cohorts (gnomAD); In silico analysis supports that this missense variant has a deleterious effect on protein structure/function; This variant is associated with the following publications: (PMID: 21981029)